The following is an entry in ClinVar:

NM_002691.4(POLD1):c.2954-2A>C

Gene: POLD1 (DNA polymerase delta 1, catalytic subunit; plus strand). Cytogenetic location: 19q13.33.
Variant type: single nucleotide variant.
Coding change: c.2954-2A>C on transcript NM_002691.4 (MANE Select); the canonical splice acceptor site of the intron before coding-DNA position 2954, A replaced by C.
Molecular consequence: splice acceptor variant.
Genome position (GRCh38, 1-based): chr19:50,416,608, A>C. VCF-style: chr19-50416608-A-C. GRCh37 (hg19) VCF-style: chr19-50919865-A-C.
Other names: c.2954-2A>C (NM_001256849.1); c.3032-2A>C (NM_001308632.1).
Identifiers: ClinVar variation 578009 (VCV000578009.9), dbSNP rs1022546996, ClinGen allele CA309605397.

ClinVar aggregate classification (germline): Uncertain significance (1 of 4 stars; one submission).

Conditions:
POLD1-related polyposis and colorectal cancer syndrome (CRCS10). Also called: Colorectal cancer 10; COLORECTAL CANCER, SUSCEPTIBILITY TO, ON CHROMOSOME 19q; Colorectal cancer, susceptibility to, 10. Identifiers: Orphanet 220460, MedGen C2675481, MONDO:0012953, OMIM 612591.

Allele frequency attached by ClinVar (database versions not stated): TOPMed below 0.00001; gnomAD 0.00001; gnomAD exomes 0.00001.
gnomAD v4.1: 1 of 1,558,620 alleles (0.000064%); highest among the groups gnomAD compares: Non-Finnish European, 0.000087%; no homozygotes.

Submission:

Labcorp Genetics (formerly Invitae), Labcorp
Classification: Uncertain significance for POLD1-related polyposis and colorectal cancer syndrome. Last evaluated: 2022-09-01. Review status: criteria provided, single submitter. Criteria: Invitae Variant Classification Sherloc (09022015). Collection method: clinical testing. Allele origin: germline.
Comment: This sequence change affects an acceptor splice site in intron 23 of the POLD1 gene. Missense variants that disrupt the 3'-5' exonuclease (proof-reading) activity of the POLD1 protein are associated with PPAP (polymerase proofreading–associated polyposis) (PMID: 23263490, 23447401). However, loss-of-function variants that result in an absent or severely disrupted POLD1 protein, and missense variants outside the exonuclease domain, are unlikely to be associated with PPAP. This variant is present in population databases (no rsID available, gnomAD 0.002%). This variant has not been reported in the literature in individuals affected with POLD1-related conditions. ClinVar contains an entry for this variant (Variation ID: 578009). Studies have shown that disruption of this splice site results in skipping of exon 24, but is expected to preserve the integrity of the reading-frame (Invitae). In summary, the available evidence is currently insufficient to determine the role of this variant in disease. Therefore, it has been classified as a Variant of Uncertain Significance.

Literature cited by the submitters: PubMed 23263490; PubMed 23447401.